The following is an entry in ClinVar:

NM_024537.4(CARS2):c.466-18G>A

Gene: CARS2 (cysteinyl-tRNA synthetase 2, mitochondrial; minus strand). Cytogenetic location: 13q34.
Variant type: single nucleotide variant.
Coding change: c.466-18G>A on transcript NM_024537.4 (MANE Select); 18 bases into the intron before coding-DNA position 466, G replaced by A.
Molecular consequence: intron variant.
Genome position (GRCh38, 1-based): chr13:110,687,844, C>T on the plus strand (G>A on the coding strand, the complement: CARS2 is on the minus strand). VCF-style: chr13-110687844-C-T. GRCh37 (hg19) VCF-style: chr13-111340191-C-T.
Other names: c.-534-18G>A (NM_001352252.2); c.466-18G>A (NM_001352253.3).
Identifiers: ClinVar variation 383496 (VCV000383496.8), dbSNP rs370423607, ClinGen allele CA7052238.
Genomic context (GRCh38, chr13:110,687,844, plus strand): 5'-GAATATTTTCGGTTACCCTCAGGTACACCGTGGGTGGGAGAACCTGCAAGGAAGTGGAGA[C>T]GTGACCGTGTTTCCCTCGTGAGAAGCACAGGTCAGCCAGCACCAGCTGTCATTGCTCACG-3'

ClinVar aggregate classification (germline): Likely benign. Review status: criteria provided, multiple submitters, no conflicts (2 of 4 stars). 2 submissions from 2 submitters: Likely benign (2). Last evaluated 2025-04-24.

Conditions:
Combined oxidative phosphorylation defect type 27. Also called: Combined oxidative phosphorylation deficiency 27. Identifiers: Orphanet 477774, MedGen C5567608, MONDO:0014728, OMIM 616672.

Allele frequency attached by ClinVar (database versions not stated): gnomAD exomes 0.00020; ExAC 0.00021; TOPMed 0.00003; ESP Exome Variant Server 0.00008; gnomAD 0.00012 and 0.00013.
gnomAD v4.1: 116 of 1,580,434 alleles (0.0073%); highest among the groups gnomAD compares: South Asian, 0.0044%; no homozygotes.

Submissions (2):

Labcorp Genetics (formerly Invitae), Labcorp
Classification: Likely benign for Combined oxidative phosphorylation defect type 27. Last evaluated: 2025-04-24. Review status: criteria provided, single submitter. Criteria: Invitae Variant Classification Sherloc (09022015). Collection method: clinical testing. Allele origin: germline.

GeneDx
Classification: Likely benign. Last evaluated: 2016-02-24. Review status: criteria provided, single submitter. Criteria: GeneDx Variant Classification (06012015). Collection method: clinical testing. Allele origin: germline. Affected: yes.
Comment: This variant is considered likely benign or benign based on one or more of the following criteria: it is a conservative change, it occurs at a poorly conserved position in the protein, it is predicted to be benign by multiple in silico algorithms, and/or has population frequency not consistent with disease.